The following is an entry in ClinVar:

NM_004366.6(CLCN2):c.924C>A (p.Thr308=)

Gene: CLCN2 (chloride voltage-gated channel 2; minus strand). Cytogenetic location: 3q27.1.
Variant type: single nucleotide variant.
Coding change: c.924C>A on transcript NM_004366.6 (MANE Select); coding-DNA position 924, C replaced by A.
Protein change: p.Thr308=; no amino-acid change (threonine 308 retained).
Molecular consequence: synonymous variant.
Genome position (GRCh38, 1-based): chr3:184,357,241, G>T on the plus strand (C>A on the coding strand, the complement: CLCN2 is on the minus strand). VCF-style: chr3-184357241-G-T. GRCh37 (hg19) VCF-style: chr3-184075029-G-T.
Other names: c.924C>A, p.Thr308= (NM_001171087.3, NM_001171089.3); c.792C>A, p.Thr264= (NM_001171088.3).
Identifiers: ClinVar variation 2654322 (VCV002654322.24), dbSNP rs2474254754, ClinGen allele CA437168023.

ClinVar aggregate classification (germline): Likely benign (1 of 4 stars; one submission).

Submission:

CeGaT Center for Human Genetics Tuebingen
Classification: Likely benign. Last evaluated: 2022-05-01. Review status: criteria provided, single submitter. Criteria: CeGaT Center For Human Genetics Tuebingen Variant Classification Criteria Version 2. Collection method: clinical testing. Allele origin: germline. Affected: yes. Observed: 1 variant allele.
Comment: CLCN2: PM2:Supporting, BP4, BP7